The following is an entry in ClinVar:

NM_000038.6(APC):c.1571G>A (p.Gly524Asp)

Gene: APC (APC regulator of Wnt signaling pathway; plus strand). Cytogenetic location: 5q22.2.
Variant type: single nucleotide variant.
Coding change: c.1571G>A on transcript NM_000038.6 (MANE Select); coding-DNA position 1571, G replaced by A.
Protein change: p.Gly524Asp; replaces glycine 524 with aspartic acid.
Molecular consequence: missense variant.
Genome position (GRCh38, 1-based): chr5:112,827,951, G>A. VCF-style: chr5-112827951-G-A. GRCh37 (hg19) VCF-style: chr5-112163648-G-A.
Other names: c.1571G>A, p.Gly524Asp (NM_001127510.3, NM_001354895.2); c.1517G>A, p.Gly506Asp (NM_001127511.3); c.1625G>A, p.Gly542Asp (NM_001354896.2); c.1601G>A, p.Gly534Asp (NM_001354897.2); c.1496G>A, p.Gly499Asp (NM_001354898.2); c.1487G>A, p.Gly496Asp (NM_001354899.2); c.1448G>A, p.Gly483Asp (NM_001354900.2); c.1394G>A, p.Gly465Asp (NM_001354901.2); and 5 more; short protein forms G524D, G506D, G241D, G423D, G465D, G483D, G534D, G542D.
Identifiers: ClinVar variation 537485 (VCV000537485.27), dbSNP rs587782868, ClinGen allele CA028449.

ClinVar aggregate classification (germline): Conflicting classifications of pathogenicity. Review status: criteria provided, conflicting classifications (1 of 4 stars). 5 submissions from 5 submitters: Uncertain significance (3); Benign (1); Likely benign (1). Last evaluated 2026-02-03.

Conditions:
Hereditary cancer-predisposing syndrome. Also called: Tumor predisposition; Hereditary Cancer Syndrome; Hereditary neoplastic syndrome; Neoplastic Syndromes, Hereditary. Identifiers: Orphanet 140162, MedGen C0027672, MeSH D009386, MONDO:0015356.
Familial adenomatous polyposis 1 (FAP1). Also called: FAMILIAL ADENOMATOUS POLYPOSIS 1, ATTENUATED; POLYPOSIS, ADENOMATOUS INTESTINAL. Identifiers: MedGen C2713442, MONDO:0021056, OMIM 175100. Disease mechanism: loss of function.

Allele frequency attached by ClinVar (database versions not stated): TOPMed below 0.00001; gnomAD 0.00001; gnomAD exomes 0.00003; ExAC 0.00004.
gnomAD v4.1: 20 of 1,613,134 alleles (0.0012%); highest among the groups gnomAD compares: Admixed American, 0.0017%; no homozygotes.

Submissions (5):

Labcorp Genetics (formerly Invitae), Labcorp
Classification: Uncertain significance for Familial adenomatous polyposis 1. Last evaluated: 2026-02-03. Review status: criteria provided, single submitter. Criteria: Invitae Variant Classification Sherloc (09022015). Collection method: clinical testing. Allele origin: germline.
Comment: This sequence change replaces glycine, which is neutral and non-polar, with aspartic acid, which is acidic and polar, at codon 524 of the APC protein (p.Gly524Asp). This variant is present in population databases (rs587782868, gnomAD 0.01%). This missense change has been observed in individual(s) with cancer (PMID: 35430768). ClinVar contains an entry for this variant (Variation ID: 537485). Invitae Evidence Modeling of protein sequence and biophysical properties (such as structural, functional, and spatial information, amino acid conservation, physicochemical variation, residue mobility, and thermodynamic stability) indicates that this missense variant is not expected to disrupt APC protein function with a negative predictive value of 95%. In summary, the available evidence is currently insufficient to determine the role of this variant in disease. Therefore, it has been classified as a Variant of Uncertain Significance.

Center for Genomic Medicine, Rigshospitalet, Copenhagen University Hospital
Classification: Likely benign. Last evaluated: 2025-03-04. Review status: criteria provided, single submitter. Criteria: ACMG Guidelines, 2015. Collection method: clinical testing. Allele origin: germline.

Ambry Genetics
Classification: Benign for Hereditary cancer-predisposing syndrome. Last evaluated: 2024-11-14. Review status: criteria provided, single submitter. Criteria: Ambry Variant Classification Scheme 2023. Collection method: clinical testing. Allele origin: germline.

Baylor Genetics
Classification: Uncertain significance for Familial adenomatous polyposis 1. Last evaluated: 2024-03-06. Review status: criteria provided, single submitter. Criteria: ACMG Guidelines, 2015. Collection method: clinical testing. Allele origin: unknown.

Sema4
Classification: Uncertain significance for Hereditary cancer-predisposing syndrome. Last evaluated: 2021-11-29. Review status: criteria provided, single submitter. Criteria: Sema4 Curation Guidelines. Collection method: curation. Allele origin: germline.
Comment: The APC c.1571G>A (p.G524D) variant has not been reported in the literature to our knowledge. It was observed in 3/25116 chromosomes of the Finnish subpopulation in the large and broad cohorts of the Genome Aggregation Database (PMID: 32461654). This variant has been reported in ClinVar (Variation ID: 537485). In silico tools suggest the impact of the variant on protein function is deleterious, though these predictions have not been confirmed by functional studies. The evidence is insufficient to meet ACMG/AMP criteria for classifying the variant as benign or pathogenic. Thus, the clinical significance of this variant is currently uncertain.

Literature cited by the submitters: PubMed 35430768 (cited by Labcorp Genetics (formerly Invitae), Labcorp).